The following is an entry in ClinVar:

ClinVar aggregate classification (germline): Uncertain significance. Review status: criteria provided, single submitter (1 of 4 stars). 2 submissions from 2 submitters: Uncertain significance (1). 1 of the submissions does not count toward it. Last evaluated 2023-07-03.

Conditions:
Autosomal recessive limb-girdle muscular dystrophy type 2K. Also called: MUSCULAR DYSTROPHY-DYSTROGLYCANOPATHY (LIMB-GIRDLE), TYPE C, 1; MUSCULAR DYSTROPHY, LIMB-GIRDLE, TYPE 2K. Identifiers: Orphanet 86812, MedGen C1836373, MONDO:0012248, OMIM 609308.

Submissions (2):

Kariminejad - Najmabadi Pathology & Genetics Center
Classification: Uncertain significance for Autosomal recessive limb-girdle muscular dystrophy type 2K. Last evaluated: 2023-07-03. Review status: criteria provided, single submitter. Criteria: ACMG Guidelines, 2015. Collection method: clinical testing. Allele origin: germline. Inheritance: Autosomal recessive inheritance. Affected: yes.
Comment: PM2 PP3

Leeds Institute of Medical Research, University of Leeds
Classification: Uncertain significance for Autosomal recessive limb-girdle muscular dystrophy type 2K. Last evaluated: 2025-01-13. Review status: no assertion criteria provided. Collection method: research. Allele origin: germline. Affected: yes. Observed: 2 variant alleles. Not counted in ClinVar's aggregate classification.
Comment: This homozygous NM_001077365.2:c.1583A>G variant is a missense variant in POMT1 changing a Gln to Arg at position 528. This variant was found to segregate in a consanguineous family in an autosomal recessive mode of inheritance. The phenotype is consistent with other published cases with biallelic POMT1 pathogenic variants (Muscular dystrophy-dystroglycanopathy (limb-girdle), type C, 1). The variant has not previously been published, is absent from gnomAD (v4.0) and has a CADD_Phred score (v1.7) of 32. It is the only remaining plausible variant following whole exome analysis. The variant meets ACMG criteria PP3 and PM2. For this reason the variant remains of unknown significance.

NM_001077365.2(POMT1):c.1583A>G (p.Gln528Arg)

Gene: POMT1 (protein O-mannosyltransferase 1; plus strand). Cytogenetic location: 9q34.13.
Variant type: single nucleotide variant.
Coding change: c.1583A>G on transcript NM_001077365.2 (MANE Select); coding-DNA position 1583, A replaced by G.
Protein change: p.Gln528Arg; replaces glutamine 528 with arginine.
Molecular consequence: missense variant. On other transcripts: non-coding transcript variant (10), intron variant (1).
Genome position (GRCh38, 1-based): chr9:131,519,485, A>G. VCF-style: chr9-131519485-A-G. GRCh37 (hg19) VCF-style: chr9-134394872-A-G.
Other names: c.1421A>G, p.Gln474Arg (NM_001077366.2, NM_001353194.2); c.1583A>G, p.Gln528Arg (NM_001136113.2); c.1232A>G, p.Gln411Arg (NM_001136114.2, NM_001353195.2, NM_001374691.1 and 2 more transcripts); c.1649A>G, p.Gln550Arg (NM_001353193.2, NM_007171.4); c.1493A>G, p.Gln498Arg (NM_001353196.2); c.1487A>G, p.Gln496Arg (NM_001353197.2, NM_001353198.2); c.1298A>G, p.Gln433Arg (NM_001353199.2); c.1127A>G, p.Gln376Arg (NM_001353200.2); and 4 more; short protein forms Q151R, Q376R, Q398R, Q411R, Q433R, Q474R, Q496R, Q498R.
Identifiers: ClinVar variation 3600283 (VCV003600283.2).